The following is an entry in ClinVar:

ClinVar aggregate classification (germline): Uncertain significance (1 of 4 stars; one submission).

Conditions:
Hereditary cancer-predisposing syndrome. Also called: Hereditary Cancer Syndrome; Neoplastic Syndromes, Hereditary; Tumor predisposition; Hereditary neoplastic syndrome. Identifiers: Orphanet 140162, MedGen C0027672, MeSH D009386, MONDO:0015356.

Submission:

Ambry Genetics
Classification: Uncertain significance for Hereditary cancer-predisposing syndrome. Last evaluated: 2026-09-05. Review status: criteria provided, single submitter. Criteria: Ambry Variant Classification Scheme 2023. Collection method: clinical testing. Allele origin: germline.
Comment: The p.E148D variant (also known as c.444G>T), located in coding exon 1 of the ALK gene, results from a G to T substitution at nucleotide position 444. The glutamic acid at codon 148 is replaced by aspartic acid, an amino acid with highly similar properties. This amino acid position is conserved. In addition, this alteration is predicted to be tolerated by in silico analysis. Based on the available evidence, the clinical significance of this variant remains unclear.

NM_004304.5(ALK):c.444G>T (p.Glu148Asp)

Gene: ALK (ALK receptor tyrosine kinase; minus strand). Cytogenetic location: 2p23.1.
Variant type: single nucleotide variant.
Coding change: c.444G>T on transcript NM_004304.5 (MANE Select); coding-DNA position 444, G replaced by T.
Protein change: p.Glu148Asp; replaces glutamic acid 148 with aspartic acid.
Molecular consequence: missense variant.
Genome position (GRCh38, 1-based): chr2:29,920,216, C>A on the plus strand (G>T on the coding strand, the complement: ALK is on the minus strand). VCF-style: chr2-29920216-C-A. GRCh37 (hg19) VCF-style: chr2-30143082-C-A.
Other names: short protein forms E148D.
Identifiers: ClinVar variation 5035673 (VCV005035673.1).